The following is an entry in ClinVar:

NM_004523.4(KIF11):c.3113C>T (p.Thr1038Ile)

Gene: KIF11 (kinesin family member 11; plus strand). Cytogenetic location: 10q23.33.
Variant type: single nucleotide variant.
Coding change: c.3113C>T on transcript NM_004523.4 (MANE Select); coding-DNA position 3113, C replaced by T.
Protein change: p.Thr1038Ile; replaces threonine 1038 with isoleucine.
Molecular consequence: missense variant.
Genome position (GRCh38, 1-based): chr10:92,653,738, C>T. VCF-style: chr10-92653738-C-T. GRCh37 (hg19) VCF-style: chr10-94413495-C-T.
Other names: short protein forms T1038I.
Identifiers: ClinVar variation 856986 (VCV000856986.9), dbSNP rs1845013565, ClinGen allele CA377808523.

ClinVar aggregate classification (germline): Uncertain significance (1 of 4 stars; one submission).

Allele frequency attached by ClinVar (database versions not stated): gnomAD 0.00001.

Submission:

Labcorp Genetics (formerly Invitae), Labcorp
Classification: Uncertain significance. Last evaluated: 2019-12-03. Review status: criteria provided, single submitter. Criteria: Invitae Variant Classification Sherloc (09022015). Collection method: clinical testing. Allele origin: germline.
Comment: Algorithms developed to predict the effect of missense changes on protein structure and function output the following: SIFT: "Tolerated"; PolyPhen-2: "Benign"; Align-GVGD: "Class C0". The isoleucine amino acid residue is found in multiple mammalian species, suggesting that this missense change does not adversely affect protein function. These predictions have not been confirmed by published functional studies and their clinical significance is uncertain. In summary, the available evidence is currently insufficient to determine the role of this variant in disease. Therefore, it has been classified as a Variant of Uncertain Significance. This variant has not been reported in the literature in individuals with KIF11-related conditions. This sequence change replaces threonine with isoleucine at codon 1038 of the KIF11 protein (p.Thr1038Ile). The threonine residue is weakly conserved and there is a moderate physicochemical difference between threonine and isoleucine. This variant is not present in population databases (ExAC no frequency).